The following is an entry in ClinVar:

ClinVar aggregate classification (germline): Uncertain significance (1 of 4 stars; one submission).

Allele frequency attached by ClinVar (database versions not stated): gnomAD exomes below 0.00001; TOPMed below 0.00001.
gnomAD v4.1: 5 of 1,612,416 alleles (0.00031%); highest among the groups gnomAD compares: Middle Eastern, 0.022%; no homozygotes.

Submission:

Labcorp Genetics (formerly Invitae), Labcorp
Classification: Uncertain significance. Last evaluated: 2022-06-25. Review status: criteria provided, single submitter. Criteria: Invitae Variant Classification Sherloc (09022015). Collection method: clinical testing. Allele origin: germline.
Comment: In summary, the available evidence is currently insufficient to determine the role of this variant in disease. Therefore, it has been classified as a Variant of Uncertain Significance. Algorithms developed to predict the effect of missense changes on protein structure and function (SIFT, PolyPhen-2, Align-GVGD) all suggest that this variant is likely to be disruptive. This variant has not been reported in the literature in individuals affected with MFF-related conditions. This variant is not present in population databases (gnomAD no frequency). This sequence change replaces phenylalanine, which is neutral and non-polar, with cysteine, which is neutral and slightly polar, at codon 331 of the MFF protein (p.Phe331Cys).

NM_001277062.2(MFF):c.839T>G (p.Phe280Cys)

Gene: MFF (mitochondrial fission factor; plus strand). Cytogenetic location: 2q36.3.
Variant type: single nucleotide variant.
Coding change: c.839T>G on transcript NM_001277062.2 (MANE Select); coding-DNA position 839, T replaced by G.
Protein change: p.Phe280Cys; replaces phenylalanine 280 with cysteine.
Molecular consequence: missense variant. On other transcripts: non-coding transcript variant (1).
Genome position (GRCh38, 1-based): chr2:227,357,080, T>G. VCF-style: chr2-227357080-T-G. GRCh37 (hg19) VCF-style: chr2-228221796-T-G.
Other names: c.992T>G, p.Phe331Cys (NM_001277061.2, NM_020194.5); c.695T>G, p.Phe232Cys (NM_001277063.2); c.680T>G, p.Phe227Cys (NM_001277064.2); c.620T>G, p.Phe207Cys (NM_001277065.2, NM_001277066.2); c.629T>G, p.Phe210Cys (NM_001277067.1); c.722T>G, p.Phe241Cys (NM_001277068.1); short protein forms F207C, F210C, F331C, F232C, F227C, F280C, F241C.
Identifiers: ClinVar variation 1922372 (VCV001922372.3), dbSNP rs960566048, ClinGen allele CA66607082.